The following is an entry in ClinVar:

NM_001177316.2(SLC34A3):c.1639C>T (p.Arg547Cys)

Gene: SLC34A3 (solute carrier family 34 member 3; plus strand). Cytogenetic location: 9q34.3.
Variant type: single nucleotide variant.
Coding change: c.1639C>T on transcript NM_001177316.2 (MANE Select); coding-DNA position 1639, C replaced by T.
Protein change: p.Arg547Cys; replaces arginine 547 with cysteine.
Molecular consequence: missense variant.
Genome position (GRCh38, 1-based): chr9:137,236,255, C>T. VCF-style: chr9-137236255-C-T. GRCh37 (hg19) VCF-style: chr9-140130707-C-T.
Other names: p.Arg547Cys; c.1639C>T, p.Arg547Cys (NM_001177317.2, NM_080877.3); short protein forms R547C.
Identifiers: ClinVar variation 999812 (VCV000999812.6), dbSNP rs753910973, ClinGen allele CA5365024.

ClinVar aggregate classification (germline): Uncertain significance. Review status: criteria provided, multiple submitters, no conflicts (2 of 4 stars). 3 submissions from 3 submitters: Uncertain significance (3). Last evaluated 2024-05-16.

Conditions:
Autosomal recessive hypophosphatemic bone disease (HHRH). Also called: HYPERCALCIURIC RICKETS; Hypophosphatemic rickets with hypercalciuria. Identifiers: Orphanet 157215, MedGen C1853271, MONDO:0009431, OMIM 241530.

Allele frequency attached by ClinVar (database versions not stated): ExAC below 0.00001; gnomAD exomes 0.00003; TOPMed 0.00006; gnomAD 0.00007.

Submissions (3):

Mayo Clinic Laboratories, Mayo Clinic
Classification: Uncertain significance. Last evaluated: 2024-05-16. Review status: criteria provided, single submitter. Criteria: ACMG Guidelines, 2015. Collection method: clinical testing. Allele origin: germline. Observed: 1 variant allele.
Comment: BP4

Fulgent Genetics
Classification: Uncertain significance for Autosomal recessive hypophosphatemic bone disease. Last evaluated: 2022-05-03. Review status: criteria provided, single submitter. Criteria: ACMG Guidelines, 2015. Collection method: clinical testing. Allele origin: unknown.

Labcorp Genetics (formerly Invitae), Labcorp
Classification: Uncertain significance. Last evaluated: 2021-08-31. Review status: criteria provided, single submitter. Criteria: Invitae Variant Classification Sherloc (09022015). Collection method: clinical testing. Allele origin: germline.